The following is an entry in ClinVar:

NM_001142966.3(GREB1L):c.550A>G (p.Ile184Val)

Genes: GREB1L (GREB1 like retinoic acid receptor coactivator; plus strand), GREB1L-AS1 (GREB1L antisense RNA 1; minus strand). Cytogenetic location: 18q11.1.
Variant type: single nucleotide variant.
Coding change: c.550A>G on transcript NM_001142966.3 (MANE Select); coding-DNA position 550, A replaced by G.
Protein change: p.Ile184Val; replaces isoleucine 184 with valine.
Molecular consequence: missense variant.
Genome position (GRCh38, 1-based): chr18:21,401,167, A>G. VCF-style: chr18-21401167-A-G. GRCh37 (hg19) VCF-style: chr18-18981128-A-G.
Other names: c.550A>G, p.Ile184Val (NM_001410867.1, NM_001410868.1); short protein forms I184V.
Identifiers: ClinVar variation 4985634 (VCV004985634.1).

ClinVar aggregate classification (germline): Uncertain significance (1 of 4 stars; one submission).

Conditions:
GREB1L-related disorder. Also called: GREB1L-related condition.

gnomAD v4.1: 8 of 1,551,504 alleles (0.00052%); highest among the groups gnomAD compares: Non-Finnish European, 0.00061%; no homozygotes.

Submission:

PreventionGenetics, part of Exact Sciences
Classification: Uncertain significance for GREB1L-related condition. Last evaluated: 2025-05-22. Review status: criteria provided, single submitter. Criteria: ACMG Guidelines, 2015. Collection method: clinical testing. Allele origin: germline.
Comment: The GREB1L c.550A>G variant is predicted to result in the amino acid substitution p.Ile184Val. To our knowledge, this variant has not been reported in the literature. This variant is reported in 0.0017% of alleles in individuals of European (Non-Finnish) descent in gnomAD. At this time, the clinical significance of this variant is uncertain due to the absence of conclusive functional and genetic evidence.